The following is an entry in ClinVar:

ClinVar aggregate classification (germline): Uncertain significance (1 of 4 stars; one submission).

Conditions:
Inborn genetic diseases. Identifiers: MedGen C0950123, MeSH D030342.

Submission:

Ambry Genetics
Classification: Uncertain significance for Inborn genetic diseases. Last evaluated: 2025-09-10. Review status: criteria provided, single submitter. Criteria: Ambry Variant Classification Scheme 2023. Collection method: clinical testing. Allele origin: germline.
Comment: The p.T764I variant (also known as c.2291C>T), located in coding exon 8 of the MECOM gene, results from a C to T substitution at nucleotide position 2291. The threonine at codon 764 is replaced by isoleucine, an amino acid with similar properties. This amino acid position is conserved. In addition, this alteration is predicted to be tolerated by in silico analysis. Based on the available evidence, the clinical significance of this variant remains unclear.

NM_004991.4(MECOM):c.2291C>T (p.Thr764Ile)

Gene: MECOM (MDS1 and EVI1 complex locus; minus strand). Cytogenetic location: 3q26.2.
Variant type: single nucleotide variant.
Coding change: c.2291C>T on transcript NM_004991.4 (MANE Select); coding-DNA position 2291, C replaced by T.
Protein change: p.Thr764Ile; replaces threonine 764 with isoleucine.
Molecular consequence: missense variant.
Genome position (GRCh38, 1-based): chr3:169,115,581, G>A on the plus strand (C>T on the coding strand, the complement: MECOM is on the minus strand). VCF-style: chr3-169115581-G-A. GRCh37 (hg19) VCF-style: chr3-168833369-G-A.
Other names: c.1922C>T, p.Thr641Ile (NM_001105077.4); c.1727C>T, p.Thr576Ile (NM_001105078.4, NM_001164000.2, NM_001205194.2 and 4 more transcripts); c.1730C>T, p.Thr577Ile (NM_001163999.2, NM_001366467.2, NM_001366468.2 and 1 more transcripts); c.2291C>T, p.Thr764Ile (NM_001366466.2); c.1319C>T, p.Thr440Ile (NM_001366473.2); c.755C>T, p.Thr252Ile (NM_001366474.2); short protein forms T576I, T440I, T577I, T764I, T252I, T641I.
Identifiers: ClinVar variation 4105917 (VCV004105917.1).
Genomic context (GRCh38, chr3:169,115,581, plus strand): 5'-CTGGCTCTACTCCTACTGCCCATACTTAGATCCAGGGGCTGGTCTTGGCTTGTGGCAGGT[G>A]TCACTGGAGGCTTGGAGGGGACTGGAGTCAAGGGCTTCTCATCCTTTCGCTTAGTGGTGA-3'
Protein context (NP_004982.2, residues 754-774): LTPVPSKPPV[Thr764Ile]PATSQDQPLD